The following is an entry in ClinVar:

NM_001366145.2(TRPM3):c.1133A>G (p.Tyr378Cys)

Gene: TRPM3 (transient receptor potential cation channel subfamily M member 3; minus strand). Cytogenetic location: 9q21.12.
Variant type: single nucleotide variant.
Coding change: c.1133A>G on transcript NM_001366145.2 (MANE Select); coding-DNA position 1133, A replaced by G.
Protein change: p.Tyr378Cys; replaces tyrosine 378 with cysteine.
Molecular consequence: missense variant.
Genome position (GRCh38, 1-based): chr9:70,784,120, T>C on the plus strand (A>G on the coding strand, the complement: TRPM3 is on the minus strand). VCF-style: chr9-70784120-T-C. GRCh37 (hg19) VCF-style: chr9-73399036-T-C.
Other names: c.674A>G, p.Tyr225Cys (NM_206948.4, NM_001366154.2, NM_020952.6 and 3 more transcripts); c.1133A>G, p.Tyr378Cys (NM_001366150.2, NM_001366151.2, NM_001366153.2 and 3 more transcripts); c.1208A>G, p.Tyr403Cys (NM_001366152.2, NM_001366147.2, NM_001366148.2); c.749A>G, p.Tyr250Cys (NM_206946.5, NM_206947.5, NM_001007470.3); c.1139A>G, p.Tyr380Cys (NM_001366144.2, NM_001366141.2, NM_001366142.2 and 1 more transcripts); short protein forms Y250C, Y225C, Y378C, Y380C, Y403C.
Identifiers: ClinVar variation 4633715 (VCV004633715.1).
Genomic context (GRCh38, chr9:70,784,120, plus strand): 5'-AAACAGGCTTTAGGGTTCTTCCATGGGGCCTGGAAAGTTACCTACCCGCCTTCTTCTGAG[T>C]ATTTATGCCCAAAGGCCAGGATGTCCGATGCCCGTCCACTCCCATCACAGACAACCACTG-3'
Protein context (NP_001353074.1, residues 368-388): ASDILAFGHK[Tyr378Cys]SEEGGLINES

ClinVar aggregate classification (germline): Uncertain significance (1 of 4 stars; one submission).

Conditions:
Inborn genetic diseases. Identifiers: MedGen C0950123, MeSH D030342.

gnomAD v4.1: 2 of 1,613,226 alleles (0.00012%); highest among the groups gnomAD compares: Non-Finnish European, 0.00017%; no homozygotes.

Submission:

Ambry Genetics
Classification: Uncertain significance for Inborn genetic diseases. Last evaluated: 2025-10-29. Review status: criteria provided, single submitter. Criteria: Ambry Variant Classification Scheme 2023. Collection method: clinical testing. Allele origin: germline.
Comment: The c.1133A>G (p.Y378C) alteration is located in exon 7 (coding exon 7) of the TRPM3 gene. This alteration results from a A to G substitution at nucleotide position 1133, causing the tyrosine (Y) at amino acid position 378 to be replaced by a cysteine (C). Based on data from gnomAD, the G allele has an overall frequency of <0.001% (1/250976) total alleles studied. The highest observed frequency was 0.001% (1/113460) of European (non-Finnish) alleles. Based on insufficient or conflicting evidence, the clinical significance of this alteration remains unclear.